The following is an entry in ClinVar:

ClinVar aggregate classification (germline): Uncertain significance (1 of 4 stars; one submission).

Conditions:
Charcot-Marie-Tooth Neuropathy X. Identifiers: MedGen CN118851.

Submission:

Labcorp Genetics (formerly Invitae), Labcorp
Classification: Uncertain significance for Charcot-Marie-Tooth Neuropathy X. Last evaluated: 2024-08-09. Review status: criteria provided, single submitter. Criteria: Invitae Variant Classification Sherloc (09022015). Collection method: clinical testing. Allele origin: germline.
Comment: This sequence change replaces proline, which is neutral and non-polar, with arginine, which is basic and polar, at codon 174 of the GJB1 protein (p.Pro174Arg). This variant is not present in population databases (gnomAD no frequency). This variant has not been reported in the literature in individuals affected with GJB1-related conditions. ClinVar contains an entry for this variant (Variation ID: 933905). Advanced modeling of protein sequence and biophysical properties (such as structural, functional, and spatial information, amino acid conservation, physicochemical variation, residue mobility, and thermodynamic stability) performed at Invitae indicates that this missense variant is expected to disrupt GJB1 protein function with a positive predictive value of 80%. This variant disrupts the p.Pro174 amino acid residue in GJB1. Other variant(s) that disrupt this residue have been observed in individuals with GJB1-related conditions (PMID: 23649551, 23707145), which suggests that this may be a clinically significant amino acid residue. In summary, the available evidence is currently insufficient to determine the role of this variant in disease. Therefore, it has been classified as a Variant of Uncertain Significance.

Literature cited by the submitters: PubMed 23649551; PubMed 23707145.

NM_000166.6(GJB1):c.521C>G (p.Pro174Arg)

Gene: GJB1 (gap junction protein beta 1; plus strand). Cytogenetic location: Xq13.1.
Variant type: single nucleotide variant.
Coding change: c.521C>G on transcript NM_000166.6 (MANE Select); coding-DNA position 521, C replaced by G.
Protein change: p.Pro174Arg; replaces proline 174 with arginine.
Molecular consequence: missense variant.
Genome position (GRCh38, 1-based): chrX:71,224,228, C>G. VCF-style: chrX-71224228-C-G. GRCh37 (hg19) VCF-style: chrX-70444078-C-G.
Other names: c.521C>G, p.Pro174Arg (NM_001097642.3); short protein forms P174R.
Identifiers: ClinVar variation 933905 (VCV000933905.9), dbSNP rs1602349540, ClinGen allele CA413502950.